The following is an entry in ClinVar:

NM_201384.3(PLEC):c.9669G>T (p.Glu3223Asp)

Gene: PLEC (plectin; minus strand). Cytogenetic location: 8q24.3.
Variant type: single nucleotide variant.
Coding change: c.9669G>T on transcript NM_201384.3 (MANE Select); coding-DNA position 9669, G replaced by T.
Protein change: p.Glu3223Asp; replaces glutamic acid 3223 with aspartic acid.
Molecular consequence: missense variant.
Genome position (GRCh38, 1-based): chr8:143,920,152, C>A on the plus strand (G>T on the coding strand, the complement: PLEC is on the minus strand). VCF-style: chr8-143920152-C-A. GRCh37 (hg19) VCF-style: chr8-144994320-C-A.
Other names: c.9750G>T, p.Glu3250Asp (NM_000445.5); c.9627G>T, p.Glu3209Asp (NM_201378.4); c.9603G>T, p.Glu3201Asp (NM_201379.3); c.10080G>T, p.Glu3360Asp (NM_201380.4); c.9573G>T, p.Glu3191Asp (NM_201381.3); c.9669G>T, p.Glu3223Asp (NM_201382.4); c.9681G>T, p.Glu3227Asp (NM_201383.3); short protein forms E3360D, E3191D, E3209D, E3250D, E3201D, E3223D, E3227D.
Identifiers: ClinVar variation 642505 (VCV000642505.10), dbSNP rs782345196, ClinGen allele CA4924894.
Genomic context (GRCh38, chr8:143,920,152, plus strand): 5'-CACGGGGACCTCAACCGGGGTCTTTTCAAAGGTCTCACGGGCCTGCAGCTCTGAGTAGAG[C>A]TCCTCCTGCCGGGCCCGAGCAGCCTTTTCTGAGAGCGGCAGCAGGCTCAGCCCGGTCAGC-3'
Protein context (NP_958786.1, residues 3213-3233): SEKAARARQE[Glu3223Asp]LYSELQARET

ClinVar aggregate classification (germline): Uncertain significance. Review status: criteria provided, multiple submitters, no conflicts (2 of 4 stars). 2 submissions from 2 submitters: Uncertain significance (2). Last evaluated 2025-08-10.

Conditions:
Epidermolysis bullosa simplex, Ogna type (EBS5A). Also called: Pidermolysis bullosa simplex 5A, Ogna type; EPIDERMOLYSIS BULLOSA SIMPLEX 5A, OGNA TYPE. Identifiers: Orphanet 79401, MedGen C0432317, MONDO:0007555, OMIM 131950.
Autosomal recessive limb-girdle muscular dystrophy type 2Q (LGMDR17). Also called: MUSCULAR DYSTROPHY, LIMB-GIRDLE, AUTOSOMAL RECESSIVE 17. Identifiers: Orphanet 254361, MedGen C3150989, MONDO:0013390, OMIM 613723.
Epidermolysis bullosa simplex with nail dystrophy (EBS5D). Identifiers: MedGen C4225309, MONDO:0014661, OMIM 616487.
Epidermolysis bullosa simplex 5B, with muscular dystrophy (EBS5B). Also called: Epidermolysis bullosa simplex with muscular dystrophy; EPIDERMOLYSIS BULLOSA SIMPLEX AND LIMB-GIRDLE MUSCULAR DYSTROPHY. Identifiers: Orphanet 257, MedGen C2931072, MONDO:0009181, OMIM 226670.
Epidermolysis bullosa simplex 5C, with pyloric atresia (EBS5C). Also called: PLEC-Related Epidermolysis Bullosa with Pyloric Atresia; Epidermolysis bullosa simplex with pyloric atresia; PLEC1-Related Epidermolysis Bullosa with Pyloric Atresia. Identifiers: Orphanet 158684, MedGen C2677349, MONDO:0012807, OMIM 612138.

Allele frequency attached by ClinVar (database versions not stated): gnomAD 0.00001 and 0.00002; gnomAD exomes 0.00001 and 0.00002; ExAC 0.00004.
gnomAD v4.1: 7 of 1,612,720 alleles (0.00043%); highest among the groups gnomAD compares: East Asian, 0.016%; no homozygotes.

Submissions (2):

Labcorp Genetics (formerly Invitae), Labcorp
Classification: Uncertain significance for Autosomal recessive limb-girdle muscular dystrophy type 2Q; Epidermolysis bullosa simplex, Ogna type; Epidermolysis bullosa simplex with nail dystrophy; Epidermolysis bullosa simplex 5C, with pyloric atresia; Epidermolysis bullosa simplex 5B, with muscular dystrophy. Last evaluated: 2025-08-10. Review status: criteria provided, single submitter. Criteria: Invitae Variant Classification Sherloc (09022015). Collection method: clinical testing. Allele origin: germline.
Comment: This sequence change replaces glutamic acid, which is acidic and polar, with aspartic acid, which is acidic and polar, at codon 3250 of the PLEC protein (p.Glu3250Asp). This variant is present in population databases (rs782345196, gnomAD 0.03%). This variant has not been reported in the literature in individuals affected with PLEC-related conditions. ClinVar contains an entry for this variant (Variation ID: 642505). An algorithm developed to predict the effect of missense changes on protein structure and function (PolyPhen-2) suggests that this variant is likely to be disruptive. In summary, the available evidence is currently insufficient to determine the role of this variant in disease. Therefore, it has been classified as a Variant of Uncertain Significance.

Revvity Omics, Revvity
Classification: Uncertain significance. Last evaluated: 2024-04-03. Review status: criteria provided, single submitter. Criteria: ACMG Guidelines, 2015. Collection method: clinical testing. Allele origin: germline.